The following is an entry in ClinVar:

ClinVar aggregate classification (germline): Uncertain significance. Review status: criteria provided, multiple submitters, no conflicts (2 of 4 stars). 2 submissions from 2 submitters: Uncertain significance (2). Last evaluated 2023-05-04.

Conditions:
Familial thoracic aortic aneurysm and aortic dissection (TAAD). Also called: Thoracic aortic aneurysms and dissections. Identifiers: Orphanet 91387, MedGen C4707243, MONDO:0019625.
Aortic aneurysm, familial thoracic 4 (AAT4). Also called: AORTIC ANEURYSM/AORTIC DISSECTION AND PATENT DUCTUS ARTERIOSUS. Identifiers: MedGen C1851504, MONDO:0007568, OMIM 132900.

Allele frequency attached by ClinVar (database versions not stated): TOPMed below 0.00001; gnomAD 0.00001.
gnomAD v4.1: 1 of 1,613,996 alleles (0.000062%); highest among the groups gnomAD compares: Non-Finnish European, 0.000085%; no homozygotes.

Submissions (2):

All of Us Research Program, National Institutes of Health
Classification: Uncertain significance for Familial thoracic aortic aneurysm and aortic dissection. Last evaluated: 2023-05-04. Review status: criteria provided, single submitter. Criteria: ACMG Guidelines, 2015. Collection method: clinical testing. Allele origin: germline. Inheritance: Autosomal dominant inheritance. Observed: 1 variant allele, 1 heterozygote.
Comment: This variant is located in the MYH11 protein. To our knowledge, functional studies have not been reported for this variant. This variant has not been reported in individuals affected with MYH11-related disorders in the literature. This variant has not been identified in the general population by the Genome Aggregation Database (gnomAD). The available evidence is insufficient to determine the role of this variant in disease conclusively. Therefore, this variant is classified as a Variant of Uncertain Significance.

This study involves interpretation of variants in research participants for the purpose of population health screening. Participant phenotype was not available at the time of variant classification. Additional details can be found in publication PMID: 35346344, PMCID: PMC8962531

Illumina Laboratory Services, Illumina
Classification: Uncertain significance for Aortic aneurysm, familial thoracic 4. Last evaluated: 2018-01-12. Review status: criteria provided, single submitter. Criteria: ICSL Variant Classification Criteria 13 December 2019. Collection method: clinical testing. Allele origin: germline.

NM_002474.3(MYH11):c.4938G>A (p.Gln1646=)

Genes: NDE1 (nudE neurodevelopment protein 1; plus strand), MYH11 (myosin heavy chain 11; minus strand). Cytogenetic location: 16p13.11.
Variant type: single nucleotide variant.
Coding change: c.4938G>A on transcript NM_002474.3 (MANE Select); coding-DNA position 4938, G replaced by A.
Protein change: p.Gln1646=; no amino-acid change (glutamine 1646 retained).
Molecular consequence: synonymous variant. On other transcripts: intron variant (2).
Genome position (GRCh38, 1-based): chr16:15,720,166, C>T on the plus strand (G>A on the coding strand, the complement: MYH11 is on the minus strand). VCF-style: chr16-15720166-C-T. GRCh37 (hg19) VCF-style: chr16-15814023-C-T.
Other names: c.4959G>A, p.Gln1653= (NM_001040113.2, NM_001040114.2); c.4938G>A, p.Gln1646= (NM_022844.3); c.948-4025C>T (NM_001143979.2, NM_017668.3).
Identifiers: ClinVar variation 318103 (VCV000318103.7), dbSNP rs886051740, ClinGen allele CA10637228.